The following is an entry in ClinVar:

NM_017654.4(SAMD9):c.3247T>C (p.Phe1083Leu)

Gene: SAMD9 (sterile alpha motif domain containing 9; minus strand). Cytogenetic location: 7q21.2.
Variant type: single nucleotide variant.
Coding change: c.3247T>C on transcript NM_017654.4 (MANE Select); coding-DNA position 3247, T replaced by C.
Protein change: p.Phe1083Leu; replaces phenylalanine 1083 with leucine.
Molecular consequence: missense variant.
Genome position (GRCh38, 1-based): chr7:93,102,851, A>G on the plus strand (T>C on the coding strand, the complement: SAMD9 is on the minus strand). VCF-style: chr7-93102851-A-G. GRCh37 (hg19) VCF-style: chr7-92732164-A-G.
Other names: c.3247T>C, p.Phe1083Leu (NM_001193307.2); short protein forms F1083L.
Identifiers: ClinVar variation 4827025 (VCV004827025.1).
Genomic context (GRCh38, chr7:93,102,851, plus strand): 5'-GAGCATTGCCAAAGTCCTTCTTTTTAATGTAGAAATGTCTTGCCAACGCTTGGCAAATGA[A>G]TGCATTTGGGTTGAACCGATGGATACTTTCAAGCAATACAGCTTCAACTGCTTCATTTCC-3'
Protein context (NP_060124.2, residues 1073-1093): ESIHRFNPNA[Phe1083Leu]ICQALARHFY

ClinVar aggregate classification (germline): Uncertain significance (1 of 4 stars; one submission).

Conditions:
Inborn genetic diseases. Identifiers: MedGen C0950123, MeSH D030342.

gnomAD v4.1: 1 of 1,613,878 alleles (0.000062%); highest among the groups gnomAD compares: Non-Finnish European, 0.000085%; no homozygotes.

Submission:

Ambry Genetics
Classification: Uncertain significance for Inborn genetic diseases. Last evaluated: 2026-03-11. Review status: criteria provided, single submitter. Criteria: Ambry Variant Classification Scheme 2023. Collection method: clinical testing. Allele origin: germline.
Comment: The p.F1083L variant (also known as c.3247T>C), located in coding exon 1 of the SAMD9 gene, results from a T to C substitution at nucleotide position 3247. The phenylalanine at codon 1083 is replaced by leucine, an amino acid with highly similar properties. This amino acid position is conserved. In addition, this alteration is predicted to be tolerated by in silico analysis. Based on the available evidence, the clinical significance of this variant remains unclear.